The following is an entry in ClinVar:

ClinVar aggregate classification (germline): Uncertain significance (1 of 4 stars; one submission).

Submission:

GeneDx
Classification: Uncertain significance. Last evaluated: 2024-06-03. Review status: criteria provided, single submitter. Criteria: GeneDx Variant Classification Process June 2021. Collection method: clinical testing. Allele origin: germline. Affected: yes.
Comment: Not observed at significant frequency in large population cohorts (gnomAD); In silico analysis indicates that this missense variant does not alter protein structure/function; Has not been previously published as pathogenic or benign to our knowledge

NM_006885.4(ZFHX3):c.7180C>T (p.Pro2394Ser)

Genes: ZFHX3 (zinc finger homeobox 3; minus strand), ZFHX3-AS1 (ZFHX3 antisense RNA 1; plus strand). Cytogenetic location: 16q22.2.
Variant type: single nucleotide variant.
Coding change: c.7180C>T on transcript NM_006885.4 (MANE Select); coding-DNA position 7180, C replaced by T.
Protein change: p.Pro2394Ser; replaces proline 2394 with serine.
Molecular consequence: missense variant.
Genome position (GRCh38, 1-based): chr16:72,795,502, G>A on the plus strand (C>T on the coding strand, the complement: ZFHX3 is on the minus strand). VCF-style: chr16-72795502-G-A. GRCh37 (hg19) VCF-style: chr16-72829401-G-A.
Other names: c.4438C>T, p.Pro1480Ser (NM_001164766.2); c.7180C>T, p.Pro2394Ser (NM_001386735.1); short protein forms P1480S, P2394S.
Identifiers: ClinVar variation 3391545 (VCV003391545.1).